The following is an entry in ClinVar:

NM_018325.5(C9orf72):c.870C>T (p.Ser290=)

Gene: C9orf72 (C9orf72-SMCR8 complex subunit; minus strand). Cytogenetic location: 9p21.2.
Variant type: single nucleotide variant.
Coding change: c.870C>T on transcript NM_018325.5 (MANE Select); coding-DNA position 870, C replaced by T.
Protein change: p.Ser290=; no amino-acid change (serine 290 retained).
Molecular consequence: synonymous variant.
Genome position (GRCh38, 1-based): chr9:27,556,782, G>A on the plus strand (C>T on the coding strand, the complement: C9orf72 is on the minus strand). VCF-style: chr9-27556782-G-A. GRCh37 (hg19) VCF-style: chr9-27556780-G-A.
Other names: c.870C>T, p.Ser290= (NM_001256054.3).
Identifiers: ClinVar variation 366524 (VCV000366524.7), dbSNP rs10122902, ClinGen allele CA5017812.

ClinVar aggregate classification (germline): Benign. Review status: criteria provided, multiple submitters, no conflicts (2 of 4 stars). 4 submissions from 4 submitters: Benign (2). 2 of the submissions do not count toward it. Last evaluated 2018-01-13.

Conditions:
Frontotemporal dementia and/or amyotrophic lateral sclerosis 1 (FTDALS1). Also called: Frontotemporal dementia with motor neuron disease 1; C9orf72 Frontotemporal Dementia and/or Amyotrophic Lateral Sclerosis. Identifiers: Orphanet 275872, MedGen C5779877, MONDO:0007105, OMIM 105550.

Allele frequency attached by ClinVar (database versions not stated): ESP Exome Variant Server 0.19622; gnomAD 0.20696 and 0.20906; gnomAD exomes 0.20779 and 0.23670; TOPMed 0.21359; 1000 Genomes Project 0.22644; 1000 Genomes Project 30x 0.22767; ExAC 0.23617.
gnomAD v4.1: 334,168 of 1,609,536 alleles (21%); highest among the groups gnomAD compares: Admixed American, 30%; 36,118 homozygotes.

Submissions (4):

Illumina Laboratory Services, Illumina
Classification: Benign for Frontotemporal dementia and/or amyotrophic lateral sclerosis 1. Last evaluated: 2018-01-13. Review status: criteria provided, single submitter. Criteria: ICSL Variant Classification Criteria 13 December 2019. Collection method: clinical testing. Allele origin: germline.
Comment: This variant was observed in the ICSL laboratory as part of a predisposition screen in an ostensibly healthy population. It had not been previously curated by ICSL or reported in the Human Gene Mutation Database (HGMD: prior to June 1st, 2018), and was therefore a candidate for classification through an automated scoring system. Utilizing variant allele frequency, disease prevalence and penetrance estimates, and inheritance mode, an automated score was calculated to assess if this variant is too frequent to cause the disease. Based on the score and internal cut-off values, a variant classified as benign is not then subjected to further curation. The score for this variant resulted in a classification of benign for this disease.

Breakthrough Genomics
Classification: Benign. Review status: criteria provided, single submitter. Criteria: ACMG Guidelines, 2015. Collection method: not provided. Allele origin: germline. Inheritance: Autosomal dominant inheritance. Affected: yes.

Diagnostic Laboratory, Department of Genetics, University Medical Center Groningen
Classification: Benign for Frontotemporal dementia and/or amyotrophic lateral sclerosis 1. Review status: no assertion criteria provided. Collection method: clinical testing. Allele origin: germline. Affected: yes. Study: VKGL Data-share Consensus. Not counted in ClinVar's aggregate classification.

Genome Diagnostics Laboratory, Amsterdam University Medical Center
Classification: Benign. Review status: no assertion criteria provided. Collection method: clinical testing. Allele origin: germline. Affected: yes. Study: VKGL Data-share Consensus. Not counted in ClinVar's aggregate classification.